The following is an entry in ClinVar:

ClinVar aggregate classification (germline): Uncertain significance (1 of 4 stars; one submission).

Allele frequency attached by ClinVar (database versions not stated): gnomAD exomes below 0.00001.

Submission:

Ambry Genetics
Classification: Uncertain significance. Last evaluated: 2023-12-04. Review status: criteria provided, single submitter. Criteria: Ambry Variant Classification Scheme 2023. Collection method: clinical testing. Allele origin: germline.
Comment: The p.H413Y variant (also known as c.1237C>T), located in coding exon 9 of the RINT1 gene, results from a C to T substitution at nucleotide position 1237. The histidine at codon 413 is replaced by tyrosine, an amino acid with similar properties. This amino acid position is conserved. In addition, this alteration is predicted to be tolerated by in silico analysis. Since supporting evidence is limited at this time, the clinical significance of this alteration remains unclear.

NM_021930.6(RINT1):c.1237C>T (p.His413Tyr)

Gene: RINT1 (RAD50 interactor 1; plus strand). Cytogenetic location: 7q22.3.
Variant type: single nucleotide variant.
Coding change: c.1237C>T on transcript NM_021930.6 (MANE Select); coding-DNA position 1237, C replaced by T.
Protein change: p.His413Tyr; replaces histidine 413 with tyrosine.
Molecular consequence: missense variant. On other transcripts: non-coding transcript variant (1).
Genome position (GRCh38, 1-based): chr7:105,550,390, C>T. VCF-style: chr7-105550390-C-T. GRCh37 (hg19) VCF-style: chr7-105190837-C-T.
Other names: c.1003C>T, p.His335Tyr (NM_001346599.2); c.214C>T, p.His72Tyr (NM_001346600.2, NM_001346603.2); c.313C>T, p.His105Tyr (NM_001346601.2); short protein forms H105Y, H335Y, H413Y, H72Y.
Identifiers: ClinVar variation 3227594 (VCV003227594.1), dbSNP rs2133402111, ClinGen allele CA368809258.